The following is an entry in ClinVar:

ClinVar aggregate classification (germline): Benign/Likely benign. Review status: criteria provided, multiple submitters, no conflicts (2 of 4 stars). 5 submissions from 5 submitters: Benign (2); Likely benign (2). 1 of the submissions does not count toward it. Last evaluated 2026-01-24.

Conditions:
IDS-related disorder. Also called: IDS-related condition.
Mucopolysaccharidosis, MPS-II (MPS2). Also called: Attenuated MPS (subtype; formerly known as mild MPS II); Severe MPS II; I2S deficiency; MPS 2; Mucopolysaccharidosis type 2; Hunter Syndrome. Identifiers: Orphanet 580, Orphanet 79388, MedGen C0026705, MONDO:0010674, OMIM 309900.
Inborn genetic diseases. Identifiers: MedGen C0950123, MeSH D030342.

Allele frequency attached by ClinVar (database versions not stated): gnomAD exomes 0.00009 and 0.00027; ExAC 0.00039; ESP Exome Variant Server 0.00095; gnomAD 0.00113 and 0.00115; TOPMed 0.00140; 1000 Genomes Project 0.00159; 1000 Genomes Project 30x 0.00166.
gnomAD v4.1: 233 of 1,207,167 alleles (0.019%); highest among the groups gnomAD compares: African/African-American, 0.34%; 1 homozygote.

Submissions (5):

Labcorp Genetics (formerly Invitae), Labcorp
Classification: Benign for Mucopolysaccharidosis, MPS-II. Last evaluated: 2026-01-24. Review status: criteria provided, single submitter. Criteria: Invitae Variant Classification Sherloc (09022015). Collection method: clinical testing. Allele origin: germline.

Fulgent Genetics
Classification: Likely benign for Mucopolysaccharidosis, MPS-II. Last evaluated: 2021-10-13. Review status: criteria provided, single submitter. Criteria: ACMG Guidelines, 2015. Collection method: clinical testing. Allele origin: unknown.

Ambry Genetics
Classification: Benign for Inborn genetic diseases. Last evaluated: 2018-09-02. Review status: criteria provided, single submitter. Criteria: Ambry Variant Classification Scheme 2023. Collection method: clinical testing. Allele origin: germline.

Eurofins Ntd Llc (ga)
Classification: Likely benign. Last evaluated: 2018-02-08. Review status: criteria provided, single submitter. Criteria: EGL Classification Definitions 2015. Collection method: clinical testing. Allele origin: germline. Observed: 1 variant allele, 1 heterozygote.

PreventionGenetics, part of Exact Sciences
Classification: Likely benign for IDS-related condition. Last evaluated: 2024-04-12. Review status: no assertion criteria provided. Collection method: clinical testing. Allele origin: germline. Not counted in ClinVar's aggregate classification.
Comment: This variant is classified as likely benign based on ACMG/AMP sequence variant interpretation guidelines (Richards et al. 2015 PMID: 25741868, with internal and published modifications).

NM_000202.8(IDS):c.123C>G (p.Leu41=)

Gene: IDS (iduronate 2-sulfatase; minus strand). Cytogenetic location: Xq28.
Variant type: single nucleotide variant.
Coding change: c.123C>G on transcript NM_000202.8 (MANE Select); coding-DNA position 123, C replaced by G.
Protein change: p.Leu41=; no amino-acid change (leucine 41 retained).
Molecular consequence: synonymous variant. On other transcripts: 5 prime UTR variant (1), non-coding transcript variant (1).
Genome position (GRCh38, 1-based): chrX:149,504,274, G>C on the plus strand (C>G on the coding strand, the complement: IDS is on the minus strand). VCF-style: chrX-149504274-G-C. GRCh37 (hg19) VCF-style: chrX-148585804-G-C.
Other names: c.-104C>G (NM_001166550.4); c.123C>G, p.Leu41= (NM_006123.5); c.123C>G (NM_000202.7).
Identifiers: ClinVar variation 590202 (VCV000590202.22), dbSNP rs146904022, ClinGen allele CA10537730.